The following is an entry in ClinVar:

NM_000051.4(ATM):c.8893T>C (p.Leu2965=)

Genes: ATM (ATM serine/threonine kinase; plus strand), C11orf65 (chromosome 11 open reading frame 65; minus strand). Cytogenetic location: 11q22.3.
Variant type: single nucleotide variant.
Coding change: c.8893T>C on transcript NM_000051.4 (MANE Select); coding-DNA position 8893, T replaced by C.
Protein change: p.Leu2965=; no amino-acid change (leucine 2965 retained).
Molecular consequence: synonymous variant. On other transcripts: intron variant (2).
Genome position (GRCh38, 1-based): chr11:108,365,124, T>C. VCF-style: chr11-108365124-T-C. GRCh37 (hg19) VCF-style: chr11-108235851-T-C.
Other names: c.8893T>C, p.Leu2965= (NM_001351834.2); c.640+20796A>G (NM_001330368.2); c.694+20796A>G (NM_001351110.2).
Identifiers: ClinVar variation 414568 (VCV000414568.23), dbSNP rs1060504287, ClinGen allele CA16613232.
Genomic context (GRCh38, chr11:108,365,124, plus strand): 5'-TATGTTCTCTCTGTTTAGGTCCTTCTATATGATCCACTCTTTGACTGGACCATGAATCCT[T>C]TGAAAGCTTTGTATTTACAGCAGAGGCCGGAAGATGAAACTGAGCTTCACCCTACTCTGA-3'
Protein context (NP_000042.3, residues 2955-2975): DPLFDWTMNP[Leu2965=]KALYLQQRPE

ClinVar aggregate classification (germline): Benign/Likely benign. Review status: criteria provided, multiple submitters, no conflicts (2 of 4 stars). 7 submissions from 7 submitters: Benign (1); Likely benign (4). 2 of the submissions do not count toward it. Last evaluated 2025-09-24.

Conditions:
ATM-related disorder. Also called: ATM-related disorders; ATM-related condition.
Hereditary cancer-predisposing syndrome. Also called: Neoplastic Syndromes, Hereditary; Hereditary Cancer Syndrome; Tumor predisposition; Hereditary neoplastic syndrome. Identifiers: Orphanet 140162, MedGen C0027672, MeSH D009386, MONDO:0015356.
Familial cancer of breast. Also called: Hereditary breast cancer; BREAST CANCER, FAMILIAL; hereditary breast carcinoma. Identifiers: Orphanet 227535, MedGen C0346153, MONDO:0016419, OMIM 114480. Disease mechanism: loss of function.
Malignant tumor of breast. Also called: Malignant breast neoplasm; Cancer breast. Identifiers: MedGen C0006142, MONDO:0007254. Disease mechanism: loss of function.
Ataxia-telangiectasia syndrome (AT). Also called: LOUIS-BAR SYNDROME; Cerebello-oculocutaneous telangiectasia; Immunodeficiency with ataxia telangiectasia; Ataxia-telangiectasia, complementation group D; AT, COMPLEMENTATION GROUP C; Ataxia-telangiectasia, complementation group E. Identifiers: Orphanet 100, MedGen C0004135, MONDO:0008840, OMIM 208900.

Allele frequency attached by ClinVar (database versions not stated): gnomAD exomes below 0.00001.
gnomAD v4.1: 1 of 1,614,182 alleles (0.000062%); highest among the groups gnomAD compares: East Asian, 0.0022%; no homozygotes.

Submissions (7):

Labcorp Genetics (formerly Invitae), Labcorp
Classification: Likely benign for Ataxia-telangiectasia syndrome. Last evaluated: 2025-09-24. Review status: criteria provided, single submitter. Criteria: Invitae Variant Classification Sherloc (09022015). Collection method: clinical testing. Allele origin: germline.

Myriad Genetics, Inc.
Classification: Benign for Familial cancer of breast. Last evaluated: 2024-06-24. Review status: criteria provided, single submitter. Criteria: Myriad Autosomal Dominant, Autosomal Recessive and X-Linked Classification Criteria (2023). Collection method: clinical testing. Allele origin: unknown.
Comment: This variant is considered benign. This variant is a silent/synonymous amino acid change and it is not expected to impact splicing.

Ambry Genetics
Classification: Likely benign for Hereditary cancer-predisposing syndrome. Last evaluated: 2019-07-26. Review status: criteria provided, single submitter. Criteria: Ambry Variant Classification Scheme 2023. Collection method: clinical testing. Allele origin: germline.

Mendelics
Classification: Likely benign for Ataxia-telangiectasia syndrome. Last evaluated: 2019-05-28. Review status: criteria provided, single submitter. Criteria: Mendelics Assertion Criteria 2017. Collection method: clinical testing. Allele origin: unknown.

Color Diagnostics, LLC DBA Color Health
Classification: Likely benign for Hereditary cancer-predisposing syndrome. Last evaluated: 2019-04-22. Review status: criteria provided, single submitter. Criteria: ACMG Guidelines, 2015. Collection method: clinical testing. Allele origin: germline.

PreventionGenetics, part of Exact Sciences
Classification: Likely benign for ATM-related condition. Last evaluated: 2023-06-13. Review status: no assertion criteria provided. Collection method: clinical testing. Allele origin: germline. Not counted in ClinVar's aggregate classification.
Comment: This variant is classified as likely benign based on ACMG/AMP sequence variant interpretation guidelines (Richards et al. 2015 PMID: 25741868, with internal and published modifications).

Department of Pathology and Laboratory Medicine, Sinai Health System
Classification: Likely benign for Malignant tumor of breast. Review status: no assertion criteria provided. Collection method: clinical testing. Allele origin: unknown. Affected: yes. Observed: 1 variant allele. Study: The Canadian Open Genetics Repository (COGR). Not counted in ClinVar's aggregate classification.
Comment: The ATM p.Leu2965= variant was not identified in the literature nor was it identified in the COGR, Cosmic, LOVD 3.0, ATM-LOVD, the Exome Aggregation Consortium (August 8th 2016) or the Genome Aggregation Database (Feb 27, 2017). The variant was identified in dbSNP (ID: rs1060504287) as "With Likely benign allele" and ClinVar (classified as likely benign by Invitae). The p.Leu2965= variant is not expected to have clinical significance because it does not result in a change of amino acid and is not located in a known consensus splice site. In addition, in silico or computational prediction software programs (SpliceSiteFinder, MaxEntScan, NNSPLICE, GeneSplicer, HumanSpliceFinder) do not predict a difference in splicing. In summary, based on the above information, the clinical significance of this variant cannot be determined with certainty at this time although we would lean towards a more benign role for this variant. This variant is classified as likely benign.